The following is an entry in ClinVar:

ClinVar aggregate classification (germline): Pathogenic. Review status: criteria provided, multiple submitters, no conflicts (2 of 4 stars). 9 submissions from 9 submitters: Pathogenic (5). 4 of the submissions do not count toward it. Last evaluated 2026-03-31.

Conditions:
FLNB-related disorder. Also called: FLNB-related condition; FLNB-related disorders. Identifiers: MedGen CN381095.
Larsen syndrome (LRS). Also called: Larsen syndrome (FLNB-LS); Bilateral dislocation of the knees, pes cavus, cylindrically shaped fingers and characteristic facies. Identifiers: Orphanet 503, MedGen C0175778, MONDO:0007875, OMIM 150250. Disease mechanism: loss of function.

Allele frequency attached by ClinVar (database versions not stated): gnomAD exomes below 0.00001.
gnomAD v4.1: 1 of 1,613,972 alleles (0.000062%); highest among the groups gnomAD compares: Non-Finnish European, 0.000085%; no homozygotes.

Submissions (9):

Clinical Genetics Laboratory, Skane University Hospital Lund
Classification: Pathogenic for Larsen syndrome. Last evaluated: 2026-03-31. Review status: criteria provided, single submitter. Criteria: ACMG Guidelines, 2015. Collection method: clinical testing. Allele origin: germline. Affected: yes.
Comment: ACMG criteria used:PS2_moderate, PS3_supporting, PS4, PM2, PP3

Labcorp Genetics (formerly Invitae), Labcorp
Classification: Pathogenic. Last evaluated: 2024-12-15. Review status: criteria provided, single submitter. Criteria: Invitae Variant Classification Sherloc (09022015). Collection method: clinical testing. Allele origin: germline.
Comment: This sequence change replaces glutamic acid, which is acidic and polar, with lysine, which is basic and polar, at codon 227 of the FLNB protein (p.Glu227Lys). This variant is not present in population databases (gnomAD no frequency). This missense change has been observed in individual(s) with Larsen syndrome (PMID: 14991055, 16648377, 16801345). In at least one individual the variant was observed to be de novo. ClinVar contains an entry for this variant (Variation ID: 6405). Invitae Evidence Modeling of protein sequence and biophysical properties (such as structural, functional, and spatial information, amino acid conservation, physicochemical variation, residue mobility, and thermodynamic stability) indicates that this missense variant is not expected to disrupt FLNB protein function with a negative predictive value of 95%. Experimental studies have shown that this missense change affects FLNB function (PMID: 21620354, 22190451, 26491051). For these reasons, this variant has been classified as Pathogenic.

GeneDx
Classification: Pathogenic. Last evaluated: 2023-09-06. Review status: criteria provided, single submitter. Criteria: GeneDx Variant Classification Process June 2021. Collection method: clinical testing. Allele origin: germline. Affected: yes.
Comment: Published functional studies suggest a damaging effect due to a defect in the CH2 domain regulatory function resulting from increased binding of the protein to F-actin or the actin cystoskeleton (Daniel et al., 2012; Zhao et al., 2016); Not observed at significant frequency in large population cohorts (gnomAD); In silico analysis supports that this missense variant has a deleterious effect on protein structure/function; This variant is associated with the following publications: (PMID: 18322662, 19773341, 22190451, 16801345, 16648377, 30916490, 36267862, 33255942, 33195260, 14991055, 26491051)

Revvity Omics, Revvity
Classification: Pathogenic. Last evaluated: 2022-03-01. Review status: criteria provided, single submitter. Criteria: ACMG Guidelines, 2015. Collection method: clinical testing. Allele origin: germline.

Blueprint Genetics
Classification: Pathogenic for FLNB-related disorders. Last evaluated: 2018-10-30. Review status: criteria provided, single submitter. Criteria: ACMG Guidelines, 2015. Collection method: clinical testing. Allele origin: germline. Affected: yes. Observed: 1 variant allele.

Molecular Genetics Laboratory, BC Children's and BC Women's Hospitals
Classification: Pathogenic for Larsen syndrome. Last evaluated: 2025-01-29. Review status: no assertion criteria provided. Criteria: ACMG Guidelines, 2015. Collection method: clinical testing. Allele origin: de novo. Affected: yes. Not counted in ClinVar's aggregate classification.

PreventionGenetics, part of Exact Sciences
Classification: Pathogenic for FLNB-related condition. Last evaluated: 2024-06-29. Review status: no assertion criteria provided. Collection method: clinical testing. Allele origin: germline. Not counted in ClinVar's aggregate classification.
Comment: The FLNB c.679G>A variant is predicted to result in the amino acid substitution p.Glu227Lys. This variant has been reported to be pathogenic for autosomal dominant Larsen syndrome (Krakow et al. 2004. PubMed ID: 14991055; Bicknell et al. 2007. PubMed ID: 16801345; Zhang et al. 2006. PubMed ID: 16648377; Kodra et al. 2019. PubMed ID: 30916490). Functional studies suggest that the p.Glu227Lys variant may affect cytoskeletal reorganization (Zhao et al. 2016. PubMed ID: 26491051). In addition, this variant has not been reported in a large population based variant database, indicating it is rare This variant is interpreted as pathogenic.

OMIM
Classification: Pathogenic for LARSEN SYNDROME. Last evaluated: 2007-02-01. Review status: no assertion criteria provided. Collection method: literature only. Allele origin: germline. Not counted in ClinVar's aggregate classification.

GeneReviews
No classification provided. Condition: Larsen syndrome. Review status: no classification provided. Collection method: literature only. Allele origin: unknown. Not counted in ClinVar's aggregate classification.

Literature cited by the submitters: PubMed 14991055 (cited by Labcorp Genetics (formerly Invitae), Labcorp); PubMed 16648377 (cited by Labcorp Genetics (formerly Invitae), Labcorp and GeneReviews); PubMed 16801345 (cited by 3 submitters); PubMed 21620354 (cited by Labcorp Genetics (formerly Invitae), Labcorp); PubMed 22190451 (cited by Labcorp Genetics (formerly Invitae), Labcorp); PubMed 26491051 (cited by Labcorp Genetics (formerly Invitae), Labcorp); PubMed 20301736 (cited by GeneReviews); NCBI Bookshelf NBK2534 (cited by GeneReviews).

NM_001457.4(FLNB):c.679G>A (p.Glu227Lys)

Gene: FLNB (filamin B; plus strand). Cytogenetic location: 3p14.3.
Variant type: single nucleotide variant.
Coding change: c.679G>A on transcript NM_001457.4 (MANE Select); coding-DNA position 679, G replaced by A.
Protein change: p.Glu227Lys; replaces glutamic acid 227 with lysine.
Molecular consequence: missense variant.
Genome position (GRCh38, 1-based): chr3:58,081,668, G>A. VCF-style: chr3-58081668-G-A. GRCh37 (hg19) VCF-style: chr3-58067395-G-A.
Other names: c.679G>A, p.Glu227Lys (NM_001164317.2, NM_001164318.2, NM_001164319.2); short protein forms E227K.
Identifiers: ClinVar variation 6405 (VCV000006405.21), dbSNP rs80356508, ClinGen allele CA130018.
Genomic context (GRCh38, chr3:58,081,668, plus strand): 5'-TCCACCATGTCATTATCCTAGGTCATCACTCCTGAAGAAATCATTCACCCGGATGTGGAC[G>A]AGCACTCAGTTATGACTTACCTGTCCCAGTTCCCCAAAGCCAAGCTCAAGCCGGGGGCTC-3'
Protein context (NP_001448.2, residues 217-237): PEEIIHPDVD[Glu227Lys]HSVMTYLSQF